The following is an entry in ClinVar:

NM_005585.5(SMAD6):c.107_128dup (p.Glu44fs)

Gene: SMAD6 (SMAD family member 6; plus strand). Cytogenetic location: 15q22.31.
Variant type: Duplication.
Coding change: c.107_128dup on transcript NM_005585.5 (MANE Select); coding-DNA positions 107 to 128, 22 bases duplicated (ATGGGAGCTTGGGCAGCCGAGC).
Protein change: p.Glu44fs; shifts the reading frame from glutamic acid 44.
Molecular consequence: frameshift variant. On other transcripts: non-coding transcript variant (1).
Genome position (GRCh38, 1-based): chr15:66,703,365-66,703,386, ATGGGAGCTTGGGCAGCCGAGC duplicated. VCF-style (leftmost placement, unchanged base first): chr15-66703364-G-GATGGGAGCTTGGGCAGCCGAGC. GRCh37 (hg19) VCF-style: chr15-66995702-G-GATGGGAGCTTGGGCAGCCGAGC.
Other names: c.107_128dup22 (NM_005585.4); short protein forms E44fs.
Identifiers: ClinVar variation 2077311 (VCV002077311.5), dbSNP rs1407160405, ClinGen allele CA714991769.

ClinVar aggregate classification (germline): Uncertain significance. Review status: criteria provided, multiple submitters, no conflicts (2 of 4 stars). 2 submissions from 2 submitters: Uncertain significance (2). Last evaluated 2025-07-01.

Conditions:
Aortic valve disease 2 (AOVD2). Identifiers: MedGen C3542024, MONDO:0013902, OMIM 614823.
SMAD6-related disease. Also called: SMAD6-related condition; SMAD6-related disorder. Identifiers: MedGen CN381596, MONDO:0700324.

Allele frequency attached by ClinVar (database versions not stated): gnomAD exomes below 0.00001.

Submissions (2):

Labcorp Genetics (formerly Invitae), Labcorp
Classification: Uncertain significance for Aortic valve disease 2. Last evaluated: 2025-07-01. Review status: criteria provided, single submitter. Criteria: Invitae Variant Classification Sherloc (09022015). Collection method: clinical testing. Allele origin: germline.
Comment: This sequence change creates a premature translational stop signal (p.Glu44Trpfs*8) in the SMAD6 gene. It is expected to result in an absent or disrupted protein product. However, the current clinical and genetic evidence is not sufficient to establish whether loss-of-function variants in SMAD6 cause disease. This variant is not present in population databases (gnomAD no frequency). This premature translational stop signal has been observed in individual(s) with pulmonary arterial hypertension (PMID: 40133303). ClinVar contains an entry for this variant (Variation ID: 2077311). In summary, the available evidence is currently insufficient to determine the role of this variant in disease. Therefore, it has been classified as a Variant of Uncertain Significance.

PreventionGenetics, part of Exact Sciences
Classification: Uncertain significance for SMAD6-related condition. Last evaluated: 2025-02-26. Review status: criteria provided, single submitter. Criteria: ACMG Guidelines, 2015. Collection method: clinical testing. Allele origin: germline.
Comment: The SMAD6 c.107_128dup22 variant is predicted to result in a frameshift and premature protein termination (p.Glu44Trpfs*8). To our knowledge, this variant has not been reported in the literature or in a large population database (gnomAD), indicating this variant is rare. Although we suspect that this variant may be pathogenic, at this time, the clinical significance of this variant is uncertain due to the absence of conclusive functional and genetic evidence.

Literature cited by the submitters: PubMed 40133303 (cited by Labcorp Genetics (formerly Invitae), Labcorp).